The following is an entry in ClinVar:

ClinVar aggregate classification (germline): Uncertain significance. Review status: criteria provided, multiple submitters, no conflicts (2 of 4 stars). 2 submissions from 2 submitters: Uncertain significance (2). Last evaluated 2024-10-22.

Conditions:
Short-rib thoracic dysplasia 13 with or without polydactyly (SRTD13). Identifiers: Orphanet 474, MedGen C4225378, MONDO:0014577, OMIM 616300.

Allele frequency attached by ClinVar (database versions not stated): ExAC 0.00001; 1000 Genomes Project 30x 0.00016.
gnomAD v4.1: 16 of 1,607,498 alleles (0.001%); highest among the groups gnomAD compares: African/African-American, 0.0067%; no homozygotes.

Submissions (2):

Labcorp Genetics (formerly Invitae), Labcorp
Classification: Uncertain significance for Short-rib thoracic dysplasia 13 with or without polydactyly. Last evaluated: 2024-10-22. Review status: criteria provided, single submitter. Criteria: Invitae Variant Classification Sherloc (09022015). Collection method: clinical testing. Allele origin: germline.
Comment: This sequence change replaces arginine, which is basic and polar, with histidine, which is basic and polar, at codon 782 of the CEP120 protein (p.Arg782His). This variant is present in population databases (rs768733124, gnomAD 0.005%). This variant has not been reported in the literature in individuals affected with CEP120-related conditions. ClinVar contains an entry for this variant (Variation ID: 1315267). Invitae Evidence Modeling of protein sequence and biophysical properties (such as structural, functional, and spatial information, amino acid conservation, physicochemical variation, residue mobility, and thermodynamic stability) indicates that this missense variant is not expected to disrupt CEP120 protein function with a negative predictive value of 80%. In summary, the available evidence is currently insufficient to determine the role of this variant in disease. Therefore, it has been classified as a Variant of Uncertain Significance.

GeneDx
Classification: Uncertain significance. Last evaluated: 2020-03-13. Review status: criteria provided, single submitter. Criteria: GeneDx Variant Classification Process June 2021. Collection method: clinical testing. Allele origin: germline. Affected: yes.
Comment: Not observed at a significant frequency in large population cohorts (Lek et al., 2016); In silico analysis supports that this missense variant has a deleterious effect on protein structure/function; Has not been previously published as pathogenic or benign to our knowledge

NM_001375405.1(CEP120):c.2345G>A (p.Arg782His)

Gene: CEP120 (centrosomal protein 120; minus strand). Cytogenetic location: 5q23.2.
Variant type: single nucleotide variant.
Coding change: c.2345G>A on transcript NM_001375405.1 (MANE Select); coding-DNA position 2345, G replaced by A.
Protein change: p.Arg782His; replaces arginine 782 with histidine.
Molecular consequence: missense variant. On other transcripts: non-coding transcript variant (1).
Genome position (GRCh38, 1-based): chr5:123,377,387, C>T on the plus strand (G>A on the coding strand, the complement: CEP120 is on the minus strand). VCF-style: chr5-123377387-C-T. GRCh37 (hg19) VCF-style: chr5-122713081-C-T.
Other names: c.2267G>A, p.Arg756His (NM_001166226.2); c.2210G>A, p.Arg737His (NM_001375406.1); c.2345G>A, p.Arg782His (NM_001375407.1, NM_153223.4); c.1772G>A, p.Arg591His (NM_001375408.1, NM_001375409.1); short protein forms R591H, R737H, R756H, R782H.
Identifiers: ClinVar variation 1315267 (VCV001315267.6), dbSNP rs768733124, ClinGen allele CA3386657.